The following is an entry in ClinVar:

NM_001267550.2(TTN):c.25884A>C (p.Ala8628=)

Gene: TTN (titin; minus strand). Cytogenetic location: 2q31.2.
Variant type: single nucleotide variant.
Coding change: c.25884A>C on transcript NM_001267550.2 (MANE Select); coding-DNA position 25884, A replaced by C.
Protein change: p.Ala8628=; no amino-acid change (alanine 8628 retained).
Molecular consequence: synonymous variant. On other transcripts: intron variant (3).
Genome position (GRCh38, 1-based): chr2:178,715,530, T>G on the plus strand (A>C on the coding strand, the complement: TTN is on the minus strand). VCF-style: chr2-178715530-T-G. GRCh37 (hg19) VCF-style: chr2-179580257-T-G.
Other names: c.24933A>C, p.Ala8311= (NM_001256850.1); c.22152A>C, p.Ala7384= (NM_133378.4); c.13282+22552A>C (NM_003319.4); c.13858+22552A>C (NM_133437.4); c.13657+22552A>C (NM_133432.3).
Identifiers: ClinVar variation 3764040 (VCV003764040.8).

ClinVar aggregate classification (germline): Likely benign. Review status: criteria provided, multiple submitters, no conflicts (2 of 4 stars). 2 submissions from 2 submitters: Likely benign (2). Last evaluated 2025-10-01.

Conditions:
Autosomal recessive limb-girdle muscular dystrophy type 2J (LGMDR10). Also called: Limb-girdle muscular dystrophy, type 2J; MUSCULAR DYSTROPHY, LIMB-GIRDLE, AUTOSOMAL RECESSIVE 10. Identifiers: Orphanet 140922, MedGen C1837342, MONDO:0012127, OMIM 608807.
Dilated cardiomyopathy 1G (CMD1G). Identifiers: Orphanet 154, MedGen C1858763, MONDO:0011400, OMIM 604145.

Submissions (2):

CeGaT Center for Human Genetics Tuebingen
Classification: Likely benign. Last evaluated: 2025-10-01. Review status: criteria provided, single submitter. Criteria: CeGaT Center For Human Genetics Tuebingen Variant Classification Criteria Version 2. Collection method: clinical testing. Allele origin: germline. Affected: yes. Observed: 1 variant allele.
Comment: TTN: BP4, BP7

Labcorp Genetics (formerly Invitae), Labcorp
Classification: Likely benign for Dilated cardiomyopathy 1G; Autosomal recessive limb-girdle muscular dystrophy type 2J. Last evaluated: 2024-11-23. Review status: criteria provided, single submitter. Criteria: Invitae Variant Classification Sherloc (09022015). Collection method: clinical testing. Allele origin: germline.